The following is an entry in ClinVar:

ClinVar aggregate classification (germline): Likely benign. Review status: criteria provided, multiple submitters, no conflicts (2 of 4 stars). 3 submissions from 3 submitters: Likely benign (2). 1 of the submissions does not count toward it. Last evaluated 2024-11-21.

Conditions:
AFF4-related disorder. Also called: AFF4-related condition.

Allele frequency attached by ClinVar (database versions not stated): ExAC 0.00010; gnomAD 0.00005 and 0.00006; gnomAD exomes 0.00007.

Submissions (3):

Blueprint Genetics
Classification: Likely benign. Last evaluated: 2024-11-21. Review status: criteria provided, single submitter. Criteria: ACMG Guidelines, 2015. Collection method: clinical testing. Allele origin: germline.

Labcorp Genetics (formerly Invitae), Labcorp
Classification: Likely benign. Last evaluated: 2018-02-09. Review status: criteria provided, single submitter. Criteria: Invitae Variant Classification Sherloc (09022015). Collection method: clinical testing. Allele origin: germline.

PreventionGenetics, part of Exact Sciences
Classification: Likely benign for AFF4-related condition. Last evaluated: 2021-09-03. Review status: no assertion criteria provided. Collection method: clinical testing. Allele origin: germline. Not counted in ClinVar's aggregate classification.
Comment: This variant is classified as likely benign based on ACMG/AMP sequence variant interpretation guidelines (Richards et al. 2015 PMID: 25741868, with internal and published modifications).

NM_014423.4(AFF4):c.963+9_963+10insAAA

Gene: AFF4 (ALF transcription elongation factor 4; minus strand). Cytogenetic location: 5q31.1.
Variant type: Insertion.
Coding change: c.963+9_963+10insAAA on transcript NM_014423.4 (MANE Select); bases 9 to 10 of the intron after coding-DNA position 963, AAA inserted.
Molecular consequence: intron variant.
Genome position: GRCh38 VCF-style: chr5-132932168-A-ATTT. GRCh37 (hg19) VCF-style: chr5-132267860-A-ATTT.
Identifiers: ClinVar variation 711229 (VCV000711229.6), dbSNP rs747377152, ClinGen allele CA3409317.